The following is an entry in ClinVar:

NM_001386795.1(DTNA):c.1484C>T (p.Ala495Val)

Gene: DTNA (dystrobrevin alpha; plus strand). Cytogenetic location: 18q12.1.
Variant type: single nucleotide variant.
Coding change: c.1484C>T on transcript NM_001386795.1 (MANE Select); coding-DNA position 1484, C replaced by T.
Protein change: p.Ala495Val; replaces alanine 495 with valine.
Molecular consequence: missense variant.
Genome position (GRCh38, 1-based): chr18:34,851,880, C>T. VCF-style: chr18-34851880-C-T. GRCh37 (hg19) VCF-style: chr18-32431844-C-T.
Other names: c.1313C>T, p.Ala438Val (NM_001386770.1, NM_001386754.1, NM_001386755.1 and 4 more transcripts); c.1223C>T, p.Ala408Val (NM_001386771.1, NM_001386772.1, NM_001198938.2 and 9 more transcripts); c.1220C>T, p.Ala407Val (NM_001386773.1, NM_001386774.1, NM_001386768.1 and 1 more transcripts); c.1484C>T, p.Ala495Val (NM_001386788.1); c.1403C>T, p.Ala468Val (NM_001390.5, NM_001391.5); c.1232C>T, p.Ala411Val (NM_032975.4, NM_001386761.1, NM_032979.5); c.1403C>T (NM_001390.4); c.530C>T, p.Ala177Val (NM_001198942.1); and 8 more; short protein forms A158V, A90V, A411V, A465V, A468V, A177V, A116V, A120V.
Identifiers: ClinVar variation 639120 (VCV000639120.9), dbSNP rs760288717, ClinGen allele CA8935734.
Genomic context (GRCh38, chr18:34,851,880, plus strand): 5'-ATATTTTACAGCAGCCACCTCAGCAGAGAAGTGCTCCTGACATCTCTTTCACCATCGATG[C>T]GAATAAGCAGCAAAGGCAGCTGATTGCTGAGCTAGAAAACAAGAACAGGTGAGACTTTGT-3'
Protein context (NP_001373724.1, residues 485-505): SAPDISFTID[Ala495Val]NKQQRQLIAE

ClinVar aggregate classification (germline): Uncertain significance. Review status: criteria provided, multiple submitters, no conflicts (2 of 4 stars). 2 submissions from 2 submitters: Uncertain significance (2). Last evaluated 2025-08-20.

Conditions:
DTNA-related disorder. Also called: DTNA-related condition.
Left ventricular noncompaction 1 (LVNC1). Also called: LEFT VENTRICULAR NONCOMPACTION 1 WITH OR WITHOUT CONGENITAL HEART DEFECTS. Identifiers: Orphanet 54260, MedGen C1858725, MONDO:0011403, OMIM 604169.

Allele frequency attached by ClinVar (database versions not stated): gnomAD exomes below 0.00001; ExAC 0.00001; gnomAD 0.00001 and 0.00002; TOPMed 0.00003.
gnomAD v4.1: 11 of 1,613,856 alleles (0.00068%); highest among the groups gnomAD compares: African/African-American, 0.008%; 1 homozygote.

Submissions (2):

PreventionGenetics, part of Exact Sciences
Classification: Uncertain significance for DTNA-related condition. Last evaluated: 2025-08-20. Review status: criteria provided, single submitter. Criteria: ACMG Guidelines, 2015. Collection method: clinical testing. Allele origin: germline.
Comment: The DTNA c.1403C>T variant is predicted to result in the amino acid substitution p.Ala468Val. To our knowledge, this variant has not been reported in the literature. This variant is reported in 0.0040% of alleles in individuals of African descent in gnomAD. At this time, the clinical significance of this variant is uncertain due to the absence of conclusive functional and genetic evidence.

Labcorp Genetics (formerly Invitae), Labcorp
Classification: Uncertain significance for Left ventricular noncompaction 1. Last evaluated: 2025-06-20. Review status: criteria provided, single submitter. Criteria: Invitae Variant Classification Sherloc (09022015). Collection method: clinical testing. Allele origin: germline.
Comment: This sequence change replaces alanine, which is neutral and non-polar, with valine, which is neutral and non-polar, at codon 465 of the DTNA protein (p.Ala465Val). This variant is present in population databases (rs760288717, gnomAD 0.008%). This variant has not been reported in the literature in individuals affected with DTNA-related conditions. ClinVar contains an entry for this variant (Variation ID: 639120). An algorithm developed to predict the effect of missense changes on protein structure and function (PolyPhen-2) suggests that this variant is likely to be disruptive. In summary, the available evidence is currently insufficient to determine the role of this variant in disease. Therefore, it has been classified as a Variant of Uncertain Significance.